The following is an entry in ClinVar:

NM_001042492.3(NF1):c.8426A>G (p.Asn2809Ser)

Gene: NF1 (neurofibromin 1; plus strand). Cytogenetic location: 17q11.2.
Variant type: single nucleotide variant.
Coding change: c.8426A>G on transcript NM_001042492.3 (MANE Select); coding-DNA position 8426, A replaced by G.
Protein change: p.Asn2809Ser; replaces asparagine 2809 with serine.
Molecular consequence: missense variant.
Genome position (GRCh38, 1-based): chr17:31,374,061, A>G. VCF-style: chr17-31374061-A-G. GRCh37 (hg19) VCF-style: chr17-29701079-A-G.
Other names: c.8363A>G, p.Asn2788Ser (NM_000267.4); short protein forms N2809S, N2788S.
Identifiers: ClinVar variation 3688581 (VCV003688581.2).

ClinVar aggregate classification (germline): Uncertain significance (1 of 4 stars; one submission).

Conditions:
Neurofibromatosis, type 1 (NF1). Also called: Peripheral type neurofibromatosis; Neurofibromatosis, type I; VON RECKLINGHAUSEN DISEASE; NEUROFIBROMATOSIS, TYPE I, SOMATIC. Identifiers: Orphanet 636, MedGen C0027831, MONDO:0018975, OMIM 162200. Disease mechanism: loss of function.

Submission:

Labcorp Genetics (formerly Invitae), Labcorp
Classification: Uncertain significance for Neurofibromatosis, type 1. Last evaluated: 2024-07-08. Review status: criteria provided, single submitter. Criteria: Invitae Variant Classification Sherloc (09022015). Collection method: clinical testing. Allele origin: germline.
Comment: This sequence change replaces asparagine, which is neutral and polar, with serine, which is neutral and polar, at codon 2788 of the NF1 protein (p.Asn2788Ser). This variant is not present in population databases (gnomAD no frequency). This variant has not been reported in the literature in individuals affected with NF1-related conditions. Advanced modeling of protein sequence and biophysical properties (such as structural, functional, and spatial information, amino acid conservation, physicochemical variation, residue mobility, and thermodynamic stability) performed at Invitae indicates that this missense variant is not expected to disrupt NF1 protein function with a negative predictive value of 95%. In summary, the available evidence is currently insufficient to determine the role of this variant in disease. Therefore, it has been classified as a Variant of Uncertain Significance.